The following is an entry in ClinVar:

ClinVar aggregate classification (germline): Conflicting classifications of pathogenicity. Review status: criteria provided, conflicting classifications (1 of 4 stars). 3 submissions from 3 submitters: Uncertain significance (1); Benign (1). 1 of the submissions does not count toward it. Last evaluated 2025-05-14.

Conditions:
TRRAP-related disorder. Also called: TRRAP-related condition.

Allele frequency attached by ClinVar (database versions not stated): ESP Exome Variant Server 0.00008; ExAC 0.00009; gnomAD exomes 0.00016; gnomAD 0.00017 and 0.00021; TOPMed 0.00019.
gnomAD v4.1: 391 of 1,613,974 alleles (0.024%); highest among the groups gnomAD compares: Non-Finnish European, 0.029%; 1 homozygote.

Submissions (3):

Labcorp Genetics (formerly Invitae), Labcorp
Classification: Benign. Last evaluated: 2025-05-14. Review status: criteria provided, single submitter. Criteria: Invitae Variant Classification Sherloc (09022015). Collection method: clinical testing. Allele origin: germline.

GeneDx
Classification: Uncertain significance. Last evaluated: 2024-07-16. Review status: criteria provided, single submitter. Criteria: GeneDx Variant Classification Process June 2021. Collection method: clinical testing. Allele origin: germline. Affected: yes.
Comment: In silico analysis supports that this missense variant has a deleterious effect on protein structure/function; Has not been previously reported as pathogenic or benign to our knowledge; This variant is associated with the following publications: (PMID: 30564305)

PreventionGenetics, part of Exact Sciences
Classification: Likely benign for TRRAP-related condition. Last evaluated: 2019-03-14. Review status: no assertion criteria provided. Collection method: clinical testing. Allele origin: germline. Not counted in ClinVar's aggregate classification.
Comment: This variant is classified as likely benign based on ACMG/AMP sequence variant interpretation guidelines (Richards et al. 2015 PMID: 25741868, with internal and published modifications).

NM_001375524.1(TRRAP):c.2087G>A (p.Arg696His)

Gene: TRRAP (transformation/transcription domain associated protein; plus strand). Cytogenetic location: 7q22.1.
Variant type: single nucleotide variant.
Coding change: c.2087G>A on transcript NM_001375524.1 (MANE Select); coding-DNA position 2087, G replaced by A.
Protein change: p.Arg696His; replaces arginine 696 with histidine.
Molecular consequence: missense variant.
Genome position (GRCh38, 1-based): chr7:98,912,101, G>A. VCF-style: chr7-98912101-G-A. GRCh37 (hg19) VCF-style: chr7-98509724-G-A.
Other names: c.2087G>A, p.Arg696His (NM_001244580.2, NM_003496.4); c.2087G>A (NM_003496.3); short protein forms R696H.
Identifiers: ClinVar variation 1519562 (VCV001519562.9), dbSNP rs200324989, ClinGen allele CA4359685.
Genomic context (GRCh38, chr7:98,912,101, plus strand): 5'-TGGCAAATCCTACTACCTCTGCTCTGTTTGCTACGATTCTGGTGGAATATCTCCTTGATC[G>A]CCTGCCAGAAATGGGCTCCAACGTGGAGCTCTCCAACCTGTACCTCAAGCTGTTCAAGCT-3'
Protein context (NP_001362453.1, residues 686-706): ATILVEYLLD[Arg696His]LPEMGSNVEL